The following is an entry in ClinVar:

NM_001130987.2(DYSF):c.947T>C (p.Ile316Thr)

Gene: DYSF (dysferlin; plus strand). Cytogenetic location: 2p13.2.
Variant type: single nucleotide variant.
Coding change: c.947T>C on transcript NM_001130987.2 (MANE Select); coding-DNA position 947, T replaced by C.
Protein change: p.Ile316Thr; replaces isoleucine 316 with threonine.
Molecular consequence: missense variant.
Genome position (GRCh38, 1-based): chr2:71,516,238, T>C. VCF-style: chr2-71516238-T-C. GRCh37 (hg19) VCF-style: chr2-71743368-T-C.
Other names: p.Ile284Thr; c.854T>C, p.Ile285Thr (NM_001130455.2, NM_001130983.2, NM_001130984.2 and 1 more transcripts); c.851T>C, p.Ile284Thr (NM_001130976.2, NM_001130977.2, NM_001130978.2 and 1 more transcripts); c.944T>C, p.Ile315Thr (NM_001130979.2, NM_001130980.2, NM_001130981.2); c.947T>C, p.Ile316Thr (NM_001130982.2, NM_001130985.2); short protein forms I284T, I316T, I315T, I285T.
Identifiers: ClinVar variation 557778 (VCV000557778.17), dbSNP rs1553522164, ClinGen allele CA347209709.

ClinVar aggregate classification (germline): Uncertain significance. Review status: criteria provided, multiple submitters, no conflicts (2 of 4 stars). 5 submissions from 5 submitters: Uncertain significance (4). 1 of the submissions does not count toward it. Last evaluated 2023-05-10.

Conditions:
Autosomal recessive limb-girdle muscular dystrophy type 2B (LGMDR2). Also called: MUSCULAR DYSTROPHY, LIMB-GIRDLE, AUTOSOMAL RECESSIVE 2; MUSCULAR DYSTROPHY, LIMB-GIRDLE, TYPE 3; Limb-girdle muscular dystrophy, type 2B; Limb-Girdle Muscular Dystrophy Type 2B (LGMD2B). Identifiers: Orphanet 268, MedGen C1850889, MONDO:0009676, OMIM 253601.
Neuromuscular disease caused by qualitative or quantitative defects of dysferlin. Also called: Dysferlinopathy; Qualitative or quantitative defects of dysferlin. Identifiers: Orphanet 207073, MedGen C2931687, MONDO:0016145.

Allele frequency attached by ClinVar (database versions not stated): gnomAD exomes below 0.00001.
gnomAD v4.1: 4 of 1,614,156 alleles (0.00025%); highest among the groups gnomAD compares: Non-Finnish European, 0.00034%; no homozygotes.

Submissions (5):

Mayo Clinic Laboratories, Mayo Clinic
Classification: Uncertain significance. Last evaluated: 2023-05-10. Review status: criteria provided, single submitter. Criteria: ACMG Guidelines, 2015. Collection method: clinical testing. Allele origin: germline. Observed: 1 variant allele.
Comment: PP3, PP4, PM2

Labcorp Genetics (formerly Invitae), Labcorp
Classification: Uncertain significance for Neuromuscular disease caused by qualitative or quantitative defects of dysferlin. Last evaluated: 2021-09-12. Review status: criteria provided, single submitter. Criteria: Invitae Variant Classification Sherloc (09022015). Collection method: clinical testing. Allele origin: germline.
Comment: This sequence change replaces isoleucine with threonine at codon 284 of the DYSF protein (p.Ile284Thr). The isoleucine residue is moderately conserved and there is a moderate physicochemical difference between isoleucine and threonine. This variant is not present in population databases (ExAC no frequency). This missense change has been observed in individual(s) with clinical features of limb-girdle muscular dystrophy (PMID: 18853459; Invitae). ClinVar contains an entry for this variant (Variation ID: 557778). Algorithms developed to predict the effect of missense changes on protein structure and function are either unavailable or do not agree on the potential impact of this missense change (SIFT: "Tolerated"; PolyPhen-2: "Possibly Damaging"; Align-GVGD: "Class C0"). In summary, the available evidence is currently insufficient to determine the role of this variant in disease. Therefore, it has been classified as a Variant of Uncertain Significance.

Revvity Omics, Revvity
Classification: Uncertain significance. Last evaluated: 2019-08-12. Review status: criteria provided, single submitter. Criteria: ACMG Guidelines, 2015. Collection method: clinical testing. Allele origin: germline.

Eurofins Ntd Llc (ga)
Classification: Uncertain significance. Last evaluated: 2017-11-14. Review status: criteria provided, single submitter. Criteria: EGL Classification Definitions 2015. Collection method: clinical testing. Allele origin: germline. Observed: 1 variant allele, 1 heterozygote.

Counsyl
Classification: Uncertain significance for Autosomal recessive limb-girdle muscular dystrophy type 2B. Last evaluated: 2018-04-11. Review status: no assertion criteria provided. Collection method: clinical testing. Allele origin: unknown. Not counted in ClinVar's aggregate classification.

Literature cited by the submitters: PubMed 18853459 (cited by 3 submitters); PubMed 25312915 (cited by Mayo Clinic Laboratories, Mayo Clinic and Counsyl); PubMed 33927379 (cited by Mayo Clinic Laboratories, Mayo Clinic).